The following is an entry in ClinVar:

ClinVar aggregate classification (germline): Uncertain significance (1 of 4 stars; one submission).

Conditions:
Primary ciliary dyskinesia 33. Also called: CILIARY DYSKINESIA, PRIMARY, 33, WITHOUT SITUS INVERSUS. Identifiers: Orphanet 244, MedGen C4225230, MONDO:0014750, OMIM 616726.

Submission:

Labcorp Genetics (formerly Invitae), Labcorp
Classification: Uncertain significance for Primary ciliary dyskinesia 33. Last evaluated: 2025-12-01. Review status: criteria provided, single submitter. Criteria: Invitae Variant Classification Sherloc (09022015). Collection method: clinical testing. Allele origin: germline.
Comment: This sequence change replaces histidine, which is basic and polar, with asparagine, which is neutral and polar, at codon 91 of the GAS8 protein (p.His91Asn). This variant is not present in population databases (gnomAD no frequency). This variant has not been reported in the literature in individuals affected with GAS8-related conditions. Invitae Evidence Modeling of protein sequence and biophysical properties (such as structural, functional, and spatial information, amino acid conservation, physicochemical variation, residue mobility, and thermodynamic stability) has been performed for this missense variant. However, the output from this modeling did not meet the statistical confidence thresholds required to predict the impact of this variant on GAS8 protein function. In summary, the available evidence is currently insufficient to determine the role of this variant in disease. Therefore, it has been classified as a Variant of Uncertain Significance.

NM_001481.3(DRC4):c.271C>A (p.His91Asn)

Gene: DRC4 (dynein regulatory complex subunit 4; plus strand). Cytogenetic location: 16q24.3.
Variant type: single nucleotide variant.
Coding change: c.271C>A on transcript NM_001481.3 (MANE Select); coding-DNA position 271, C replaced by A.
Protein change: p.His91Asn; replaces histidine 91 with asparagine.
Molecular consequence: missense variant. On other transcripts: 5 prime UTR variant (1).
Genome position (GRCh38, 1-based): chr16:90,031,479, C>A. VCF-style: chr16-90031479-C-A. GRCh37 (hg19) VCF-style: chr16-90097887-C-A.
Other names: c.22C>A, p.His8Asn (NM_001286205.2); c.-251C>A (NM_001286208.2); c.196C>A, p.His66Asn (NM_001286209.2); short protein forms H91N, H66N, H8N.
Identifiers: ClinVar variation 4782999 (VCV004782999.1).